The following is an entry in ClinVar:

ClinVar aggregate classification (germline): Conflicting classifications of pathogenicity. Review status: criteria provided, conflicting classifications (1 of 4 stars). 6 submissions from 6 submitters: Uncertain significance (2); Benign (1); Likely benign (2). 1 of the submissions does not count toward it. Last evaluated 2026-01-26.

Conditions:
PEX2-related disorder. Also called: PEX2-related condition.
Inborn genetic diseases. Identifiers: MedGen C0950123, MeSH D030342.
Peroxisome biogenesis disorder 5A (Zellweger) (PBD5A). Identifiers: Orphanet 912, MedGen C3553940, MONDO:0013932, OMIM 614866.

Allele frequency attached by ClinVar (database versions not stated): 1000 Genomes Project 30x 0.00016; gnomAD 0.00067 and 0.00060; ExAC 0.00015; ESP Exome Variant Server 0.00046; 1000 Genomes Project 0.00020; TOPMed 0.00067.
gnomAD v4.1: 166 of 1,614,070 alleles (0.01%); highest among the groups gnomAD compares: African/African-American, 0.18%; no homozygotes.

Submissions (6):

Labcorp Genetics (formerly Invitae), Labcorp
Classification: Likely benign for Peroxisome biogenesis disorder 5A (Zellweger). Last evaluated: 2026-01-26. Review status: criteria provided, single submitter. Criteria: Invitae Variant Classification Sherloc (09022015). Collection method: clinical testing. Allele origin: germline.

GeneDx
Classification: Uncertain significance. Last evaluated: 2025-12-17. Review status: criteria provided, single submitter. Criteria: GeneDx Variant Classification Process June 2021. Collection method: clinical testing. Allele origin: germline.
Comment: In silico analysis suggests that this missense variant does not alter protein structure/function; Has not been previously published as pathogenic or benign to our knowledge; This variant is associated with the following publications: (PMID: 30019023)

Ambry Genetics
Classification: Likely benign for Inborn genetic diseases. Last evaluated: 2024-01-16. Review status: criteria provided, single submitter. Criteria: Ambry Variant Classification Scheme 2023. Collection method: clinical testing. Allele origin: germline.

Blueprint Genetics
Classification: Benign. Last evaluated: 2022-09-09. Review status: criteria provided, single submitter. Criteria: ACMG Guidelines, 2015. Collection method: clinical testing. Allele origin: germline.

Eurofins Ntd Llc (ga)
Classification: Uncertain significance. Last evaluated: 2018-02-14. Review status: criteria provided, single submitter. Criteria: EGL ClinVar v180209 classification definitions. Collection method: clinical testing. Allele origin: germline. Observed: 7 variant alleles, 7 heterozygotes.

PreventionGenetics, part of Exact Sciences
Classification: Likely benign for PEX2-related condition. Last evaluated: 2022-06-13. Review status: no assertion criteria provided. Collection method: clinical testing. Allele origin: germline. Not counted in ClinVar's aggregate classification.
Comment: This variant is classified as likely benign based on ACMG/AMP sequence variant interpretation guidelines (Richards et al. 2015 PMID: 25741868, with internal and published modifications).

NM_000318.3(PEX2):c.722G>T (p.Gly241Val)

Gene: PEX2 (peroxisomal biogenesis factor 2; minus strand). Cytogenetic location: 8q21.13.
Variant type: single nucleotide variant.
Coding change: c.722G>T on transcript NM_000318.3 (MANE Select); coding-DNA position 722, G replaced by T.
Protein change: p.Gly241Val; replaces glycine 241 with valine.
Molecular consequence: missense variant.
Genome position (GRCh38, 1-based): chr8:76,983,457, C>A on the plus strand (G>T on the coding strand, the complement: PEX2 is on the minus strand). VCF-style: chr8-76983457-C-A. GRCh37 (hg19) VCF-style: chr8-77895693-C-A.
Other names: c.722G>T, p.Gly241Val (NM_001172087.2, NM_001079867.2, NM_001172086.2); short protein forms G241V.
Identifiers: ClinVar variation 92837 (VCV000092837.21), dbSNP rs150734057, ClinGen allele CA220656.